The following is an entry in ClinVar:

NM_005477.3(HCN4):c.2198T>C (p.Val733Ala)

Gene: HCN4 (hyperpolarization activated cyclic nucleotide gated potassium channel 4; minus strand). Cytogenetic location: 15q24.1.
Variant type: single nucleotide variant.
Coding change: c.2198T>C on transcript NM_005477.3 (MANE Select); coding-DNA position 2198, T replaced by C.
Protein change: p.Val733Ala; replaces valine 733 with alanine.
Molecular consequence: missense variant.
Genome position (GRCh38, 1-based): chr15:73,323,895, A>G on the plus strand (T>C on the coding strand, the complement: HCN4 is on the minus strand). VCF-style: chr15-73323895-A-G. GRCh37 (hg19) VCF-style: chr15-73616236-A-G.
Other names: short protein forms V733A.
Identifiers: ClinVar variation 854920 (VCV000854920.10), dbSNP rs1482088586, ClinGen allele CA393089454.

ClinVar aggregate classification (germline): Uncertain significance. Review status: criteria provided, multiple submitters, no conflicts (2 of 4 stars). 2 submissions from 2 submitters: Uncertain significance (2). Last evaluated 2025-12-09.

Conditions:
Brugada syndrome 8 (BRGDA8). Identifiers: Orphanet 130, MedGen C2751083, MONDO:0013148, OMIM 613123.
Cardiovascular phenotype. Identifiers: MedGen CN230736.

Allele frequency attached by ClinVar (database versions not stated): gnomAD exomes below 0.00001 and 0.00001; TOPMed below 0.00001; gnomAD 0.00001.
gnomAD v4.1: 16 of 1,603,714 alleles (0.001%); highest among the groups gnomAD compares: African/African-American, 0.0013%; no homozygotes.

Submissions (2):

Labcorp Genetics (formerly Invitae), Labcorp
Classification: Uncertain significance for Brugada syndrome 8. Last evaluated: 2025-12-09. Review status: criteria provided, single submitter. Criteria: Invitae Variant Classification Sherloc (09022015). Collection method: clinical testing. Allele origin: germline.
Comment: This sequence change replaces valine, which is neutral and non-polar, with alanine, which is neutral and non-polar, at codon 733 of the HCN4 protein (p.Val733Ala). This variant is present in population databases (no rsID available, gnomAD 0.002%). This variant has not been reported in the literature in individuals affected with HCN4-related conditions. ClinVar contains an entry for this variant (Variation ID: 854920). Invitae Evidence Modeling of protein sequence and biophysical properties (such as structural, functional, and spatial information, amino acid conservation, physicochemical variation, residue mobility, and thermodynamic stability) indicates that this missense variant is not expected to disrupt HCN4 protein function with a negative predictive value of 95%. In summary, the available evidence is currently insufficient to determine the role of this variant in disease. Therefore, it has been classified as a Variant of Uncertain Significance.

Ambry Genetics
Classification: Uncertain significance for Cardiovascular phenotype. Last evaluated: 2025-07-15. Review status: criteria provided, single submitter. Criteria: Ambry Variant Classification Scheme 2023. Collection method: clinical testing. Allele origin: germline.